The following is an entry in ClinVar:

ClinVar aggregate classification (germline): Uncertain significance (1 of 4 stars; one submission).

Allele frequency attached by ClinVar (database versions not stated): TOPMed below 0.00001; gnomAD 0.00001.
gnomAD v4.1: 1 of 1,614,108 alleles (0.000062%); highest among the groups gnomAD compares: East Asian, 0.0022%; no homozygotes.

Submission:

Labcorp Genetics (formerly Invitae), Labcorp
Classification: Uncertain significance. Last evaluated: 2023-08-27. Review status: criteria provided, single submitter. Criteria: Invitae Variant Classification Sherloc (09022015). Collection method: clinical testing. Allele origin: germline.
Comment: This variant has not been reported in the literature in individuals affected with CTNNA1-related conditions. Advanced modeling of protein sequence and biophysical properties (such as structural, functional, and spatial information, amino acid conservation, physicochemical variation, residue mobility, and thermodynamic stability) has been performed at Invitae for this missense variant, however the output from this modeling did not meet the statistical confidence thresholds required to predict the impact of this variant on CTNNA1 protein function. In summary, the available evidence is currently insufficient to determine the role of this variant in disease. Therefore, it has been classified as a Variant of Uncertain Significance. This variant is not present in population databases (gnomAD no frequency). This sequence change replaces leucine, which is neutral and non-polar, with proline, which is neutral and non-polar, at codon 221 of the CTNNA1 protein (p.Leu221Pro).

NM_001903.5(CTNNA1):c.662T>C (p.Leu221Pro)

Gene: CTNNA1 (catenin alpha 1; plus strand). Cytogenetic location: 5q31.2.
Variant type: single nucleotide variant.
Coding change: c.662T>C on transcript NM_001903.5 (MANE Select); coding-DNA position 662, T replaced by C.
Protein change: p.Leu221Pro; replaces leucine 221 with proline.
Molecular consequence: missense variant.
Genome position (GRCh38, 1-based): chr5:138,824,603, T>C. VCF-style: chr5-138824603-T-C. GRCh37 (hg19) VCF-style: chr5-138160292-T-C.
Other names: c.662T>C, p.Leu221Pro (NM_001290307.3, NM_001323982.2, NM_001323983.1 and 3 more transcripts); c.353T>C, p.Leu118Pro (NM_001290309.3); c.293T>C, p.Leu98Pro (NM_001290310.3); short protein forms L221P, L98P, L118P.
Identifiers: ClinVar variation 2755701 (VCV002755701.3), dbSNP rs1760449063, ClinGen allele CA361129630.